The following is an entry in ClinVar:

ClinVar aggregate classification (germline): Conflicting classifications of pathogenicity. Review status: criteria provided, conflicting classifications (1 of 4 stars). 2 submissions from 2 submitters: Uncertain significance (1); Likely benign (1). Last evaluated 2022-08-02.

Allele frequency attached by ClinVar (database versions not stated): gnomAD exomes below 0.00001; ExAC 0.00001; gnomAD 0.00001.
gnomAD v4.1: 9 of 1,614,010 alleles (0.00056%); highest among the groups gnomAD compares: Middle Eastern, 0.033%; no homozygotes.

Submissions (2):

Labcorp Genetics (formerly Invitae), Labcorp
Classification: Uncertain significance. Last evaluated: 2022-08-02. Review status: criteria provided, single submitter. Criteria: Invitae Variant Classification Sherloc (09022015). Collection method: clinical testing. Allele origin: germline.
Comment: In summary, the available evidence is currently insufficient to determine the role of this variant in disease. Therefore, it has been classified as a Variant of Uncertain Significance. Algorithms developed to predict the effect of missense changes on protein structure and function output the following: SIFT: "Tolerated"; PolyPhen-2: "Benign"; Align-GVGD: "Class C0". The lysine amino acid residue is found in multiple mammalian species, which suggests that this missense change does not adversely affect protein function. This variant has not been reported in the literature in individuals affected with NANS-related conditions. This variant is present in population databases (rs760105919, gnomAD 0.006%). This sequence change replaces glutamic acid, which is acidic and polar, with lysine, which is basic and polar, at codon 103 of the NANS protein (p.Glu103Lys).

Blueprint Genetics
Classification: Likely benign. Last evaluated: 2018-11-09. Review status: criteria provided, single submitter. Criteria: ACMG Guidelines, 2015. Collection method: clinical testing. Allele origin: germline.

NM_018946.4(NANS):c.307G>A (p.Glu103Lys)

Genes: NANS (N-acetylneuraminate synthase; plus strand), TRIM14 (tripartite motif containing 14; minus strand). Cytogenetic location: 9q22.33.
Variant type: single nucleotide variant.
Coding change: c.307G>A on transcript NM_018946.4 (MANE Select); coding-DNA position 307, G replaced by A.
Protein change: p.Glu103Lys; replaces glutamic acid 103 with lysine.
Molecular consequence: missense variant.
Genome position (GRCh38, 1-based): chr9:98,060,956, G>A. VCF-style: chr9-98060956-G-A. GRCh37 (hg19) VCF-style: chr9-100823238-G-A.
Other names: short protein forms E103K.
Identifiers: ClinVar variation 1949167 (VCV001949167.6), dbSNP rs760105919, ClinGen allele CA5150238.